The following is an entry in ClinVar:

NM_147127.5(EVC2):c.2963T>G (p.Leu988Arg)

Gene: EVC2 (EvC ciliary complex subunit 2; minus strand). Cytogenetic location: 4p16.2.
Variant type: single nucleotide variant.
Coding change: c.2963T>G on transcript NM_147127.5 (MANE Select); coding-DNA position 2963, T replaced by G.
Protein change: p.Leu988Arg; replaces leucine 988 with arginine.
Molecular consequence: missense variant.
Genome position (GRCh38, 1-based): chr4:5,584,717, A>C on the plus strand (T>G on the coding strand, the complement: EVC2 is on the minus strand). VCF-style: chr4-5584717-A-C. GRCh37 (hg19) VCF-style: chr4-5586444-A-C.
Other names: c.2723T>G, p.Leu908Arg (NM_001166136.2); short protein forms L908R, L988R.
Identifiers: ClinVar variation 4535132 (VCV004535132.6).

ClinVar aggregate classification (germline): Uncertain significance (1 of 4 stars; one submission).

gnomAD v4.1: 1 of 1,612,234 alleles (0.000062%); highest among the groups gnomAD compares: Non-Finnish European, 0.000085%; no homozygotes.

Submission:

CeGaT Center for Human Genetics Tuebingen
Classification: Uncertain significance. Last evaluated: 2025-11-01. Review status: criteria provided, single submitter. Criteria: CeGaT Center For Human Genetics Tuebingen Variant Classification Criteria Version 2. Collection method: clinical testing. Allele origin: germline. Affected: yes. Observed: 1 variant allele.
Comment: EVC2: PM2